The following is an entry in ClinVar:

ClinVar aggregate classification (germline): Pathogenic/Likely pathogenic. Review status: criteria provided, multiple submitters, no conflicts (2 of 4 stars). 11 submissions from 11 submitters: Pathogenic (3); Likely pathogenic (7). 1 of the submissions does not count toward it. Last evaluated 2025-11-12.

Conditions:
Gaucher disease due to saposin C deficiency. Also called: Saposin C Deficiency; Atypical Gaucher disease due to saposin C deficiency. Identifiers: Orphanet 309252, Orphanet 355, MedGen C1864651, MONDO:0012517, OMIM 610539.
Sphingolipid activator protein 1 deficiency. Also called: Metachromatic leukodystrophy due to saposin B deficiency; Saposin B Deficiency; METACHROMATIC LEUKODYSTROPHY DUE TO CEREBROSIDE SULFATASE ACTIVATOR DEFICIENCY. Identifiers: Orphanet 512, MedGen C0268262, MONDO:0009590, OMIM 249900.
Combined PSAP deficiency (PSAPD). Also called: COMBINED SAP DEFICIENCY; Encephalopathy due to prosaposin deficiency; PROSAPOSIN DEFICIENCY. Identifiers: Orphanet 139406, MedGen C2673635, MONDO:0012719, OMIM 611721.
Parkinson disease 24, autosomal dominant, susceptibility to. Identifiers: MedGen C5561969, MONDO:0859183, OMIM 619491.
Krabbe disease due to saposin A deficiency. Also called: Saposin A Deficiency; KRABBE DISEASE, ATYPICAL, DUE TO SAPOSIN A DEFICIENCY. Identifiers: Orphanet 487, MedGen C2673266, MONDO:0012720, OMIM 611722.
PSAP-related disorder. Also called: PSAP-related condition.
Inborn genetic diseases. Identifiers: MedGen C0950123, MeSH D030342.
Metachromatic leukodystrophy (MLD). Also called: ARSA DEFICIENCY; CEREBROSIDE SULFATASE DEFICIENCY; Cerebral sclerosis diffuse metachromatic form; Arylsulfatase A Deficiency; METACHROMATIC LEUKOENCEPHALOPATHY; SULFATIDE LIPIDOSIS. Identifiers: Orphanet 512, MedGen C0023522, MONDO:0018868, OMIM 250100.

Allele frequency attached by ClinVar (database versions not stated): ExAC 0.00005; gnomAD exomes 0.00008; gnomAD 0.00001; TOPMed 0.00004.
gnomAD v4.1: 22 of 1,614,056 alleles (0.0014%); highest among the groups gnomAD compares: Admixed American, 0.035%; no homozygotes.

Submissions (11):

Variantyx, Inc.
Classification: Likely pathogenic for Parkinson disease 24, autosomal dominant, susceptibility to. Last evaluated: 2025-11-12. Review status: criteria provided, single submitter. Criteria: Variantyx Assertion Criteria 2022. Collection method: clinical testing. Allele origin: germline. Inheritance: Autosomal dominant inheritance.
Comment: This is a nonsynonymous variant in the PSAP gene (OMIM: 176801). Pathogenic variants in this gene have been associated with autosomal dominant susceptibility to Parkinson disease 24. This variant has been identified in the homozygous or compound heterozygous state in multiple affected individuals reported in the published literature (PMID: 1350885, 2320574) (PM3). It lies within a known hotspot for pathogenic variants or a well-established critical functional domain of the PSAP protein (PMIDs: 10196694, 17616409) (PM1) ad multiple computational algorithms predict a deleterious effect for this variant (REVEL score: 0.742) (PP3). This variant has a 0.0350% maximum allele frequency in non-founder control populations (PM2). Based on the current evidence, this variant is classified as likely pathogenic for autosomal dominant susceptibility to Parkinson disease 24.\

Labcorp Genetics (formerly Invitae), Labcorp
Classification: Pathogenic for Sphingolipid activator protein 1 deficiency. Last evaluated: 2025-10-09. Review status: criteria provided, single submitter. Criteria: Invitae Variant Classification Sherloc (09022015). Collection method: clinical testing. Allele origin: germline.
Comment: This sequence change replaces threonine, which is neutral and polar, with isoleucine, which is neutral and non-polar, at codon 217 of the PSAP protein (p.Thr217Ile). This variant is present in population databases (rs121918103, gnomAD 0.06%). This missense change has been observed in individuals with saposin deficiency (PMID: 2302219, 2320574; internal data). It has also been observed to segregate with disease in related individuals. ClinVar contains an entry for this variant (Variation ID: 13361). Invitae Evidence Modeling of protein sequence and biophysical properties (such as structural, functional, and spatial information, amino acid conservation, physicochemical variation, residue mobility, and thermodynamic stability) has been performed for this missense variant. However, the output from this modeling did not meet the statistical confidence thresholds required to predict the impact of this variant on PSAP protein function. For these reasons, this variant has been classified as Pathogenic.

3billion
Classification: Likely pathogenic for Sphingolipid activator protein 1 deficiency. Last evaluated: 2025-09-10. Review status: criteria provided, single submitter. Criteria: ACMG Guidelines, 2015. Collection method: clinical testing. Allele origin: germline. Affected: yes.
Comment: The variant is observed at an extremely low frequency in the gnomAD v4.1.0 dataset (total allele frequency: 0.001%). Predicted Consequence/Location: Missense variant In silico tool predictions suggest damaging effect of the variant on gene or gene product [REVEL: 0.74 (>=0.6, sensitivity 0.68 and specificity 0.92); 3Cnet: 0.99 (> 0.75, sensitivity 0.96 and precision 0.92)]. The same nucleotide change resulting in the same amino acid change has been previously reported as pathogenic/likely pathogenic with strong evidence (ClinVar ID: VCV000013361 /PMID: 2320574 /3billion dataset). Therefore, this variant is classified as Likely pathogenic according to the recommendation of ACMG/AMP guideline.

Women's Health and Genetics/Laboratory Corporation of America, LabCorp
Classification: Pathogenic for Sphingolipid activator protein 1 deficiency. Last evaluated: 2025-07-15. Review status: criteria provided, single submitter. Criteria: LabCorp Variant Classification Summary - May 2015. Collection method: clinical testing. Allele origin: germline.
Comment: Variant summary: PSAP c.650C>T (p.Thr217Ile) results in a non-conservative amino acid change in the encoded protein sequence. Algorithms developed to predict the effect of missense changes on protein structure and function all suggest that this variant is likely to be disruptive. The variant allele was found at a frequency of 7.6e-05 in 251494 control chromosomes. This frequency is not significantly higher than estimated for a pathogenic variant in PSAP causing Sphingolipid activator protein 1 deficiency (7.6e-05 vs 0.0011), allowing no conclusion about variant significance. c.650C>T has been observed in multiple individuals affected with Sphingolipid activator protein 1 deficiency (e.g. Kretz_1990, Rafi_1990, Rafi_1992, internal data). These data indicate that the variant is very likely to be associated with disease. At least one publication reports an absence of protein expression in fibroblasts derived from a homozygous patient, suggesting the variant may disrupt expression or protein stability (e.g. Rafi_1992). The following publications have been ascertained in the context of this evaluation (PMID: 2320574, 1350885, 2302219). ClinVar contains an entry for this variant (Variation ID: 13361). Based on the evidence outlined above, the variant was classified as pathogenic.

Natera, Inc.
Classification: Likely pathogenic for Metachromatic leukodystrophy. Last evaluated: 2025-03-05. Review status: criteria provided, single submitter. Criteria: Natera Variant Classification Schema (03/2026). Collection method: clinical testing. Allele origin: germline.
Comment: The c.650C>T variant in PSAP is a missense variant predicted to cause substitution of threonine to isoleucine at amino acid 217. This variant is rare in the general population with a frequency below the threshold expected for the associated phenotype(s). This variant has been observed in one or more individuals affected with the associated recessive disease, as either homozygous or compound heterozygous with a second variant (PMID: 2302219). Additionally, this variant has been observed to segregate in affected family members (PMID: 2302219). Functional studies show that this variant may disrupt protein function (PMID: 1350885). Computational prediction algorithms indicate this variant is likely to affect gene or protein function. Given the available evidence, this variant is classified as Likely Pathogenic.

PreventionGenetics, part of Exact Sciences
Classification: Likely pathogenic for PSAP-related condition. Last evaluated: 2025-01-30. Review status: criteria provided, single submitter. Criteria: ACMG Guidelines, 2015. Collection method: clinical testing. Allele origin: germline.
Comment: The PSAP c.650C>T variant is predicted to result in the amino acid substitution p.Thr217Ile. This variant has been reported in the homozygous state in patients with prosaposin deficiency and the variant segregated in one family (Kretz et al. 1990. PubMed ID: 2320574; Rafi et al. 1992. PubMed ID: 1350885). Functional studies suggest this variant adversely affect protein function (Kretz et al. 1990. PubMed ID: 2320574; Rafi et al. 1992. PubMed ID: 1350885; Ruiz-Canada et al. 2009. PubMed ID: 19167329). This variant is reported in 0.052% of alleles in individuals of Latino descent in gnomAD. This variant is consistently classified as likely pathogenic/pathogenic in ClinVar. This variant is interpreted as likely pathogenic.

GeneDx
Classification: Likely pathogenic. Last evaluated: 2024-04-30. Review status: criteria provided, single submitter. Criteria: GeneDx Variant Classification Process June 2021. Collection method: clinical testing. Allele origin: germline.
Comment: Not observed at significant frequency in large population cohorts (gnomAD); In silico analysis supports that this missense variant has a deleterious effect on protein structure/function; This variant is associated with the following publications: (PMID: 2320574, 19167329)

Fulgent Genetics
Classification: Likely pathogenic for Sphingolipid activator protein 1 deficiency; Gaucher disease due to saposin C deficiency; Combined PSAP deficiency; Krabbe disease due to saposin A deficiency; Parkinson disease 24, autosomal dominant, susceptibility to. Last evaluated: 2024-01-19. Review status: criteria provided, single submitter. Criteria: ACMG Guidelines, 2015. Collection method: clinical testing. Allele origin: germline.

Eurofins Ntd Llc (ga)
Classification: Likely pathogenic. Last evaluated: 2018-02-26. Review status: criteria provided, single submitter. Criteria: EGL ClinVar v180209 classification definitions. Collection method: clinical testing. Allele origin: germline. Observed: 1 variant allele, 1 homozygote.

Ambry Genetics
Classification: Pathogenic for Inborn genetic diseases. Last evaluated: 2017-09-25. Review status: criteria provided, single submitter. Criteria: Ambry exome assertion method (8-5-2015). Collection method: clinical testing. Allele origin: germline. Affected: yes. Observed: 1 variant allele.

OMIM
Classification: Pathogenic for METACHROMATIC LEUKODYSTROPHY DUE TO SAPOSIN B DEFICIENCY. Last evaluated: 1990-04-01. Review status: no assertion criteria provided. Collection method: literature only. Allele origin: germline. Not counted in ClinVar's aggregate classification.

Literature cited by the submitters: PubMed 1350885 (cited by 4 submitters); PubMed 2320574 (cited by 6 submitters); PubMed 2302219 (cited by 4 submitters); Kretz, K., Ginns, E., Carson, G., Morimoto, S., Kishimoto, Y., Fluharty, A., O'Brien, J. Characterization of a mutation in a family with saposin B deficiency. (Abstract) Am. J. Hum. Genet. 45 (suppl.): A202, 1989. (cited by OMIM); Wenger, D. A., Zhang, X.-L., Rafi, M., DeGala, G. Molecular basis for SAP-1 (sulfatide/G(M1) activator protein) deficiency. (Abstract) Am. J. Hum. Genet. 45 (suppl.): A13, 1989. (cited by OMIM); Rafi, M. A., Zhang, X.-L., DeGala, G., Wenger, D. A. Detection of a point mutation in sphingolipid activator protein-1 mRNA in patients with a variant form of metachromatic leukodystrophy. Biochem. Biophys. Res. Commun. 166: 1017-1023, 1990. (cited by OMIM).

NM_002778.4(PSAP):c.650C>T (p.Thr217Ile)

Gene: PSAP (prosaposin; minus strand). Cytogenetic location: 10q22.1.
Variant type: single nucleotide variant.
Coding change: c.650C>T on transcript NM_002778.4 (MANE Select); coding-DNA position 650, C replaced by T.
Protein change: p.Thr217Ile; replaces threonine 217 with isoleucine.
Molecular consequence: missense variant.
Genome position (GRCh38, 1-based): chr10:71,828,084, G>A on the plus strand (C>T on the coding strand, the complement: PSAP is on the minus strand). VCF-style: chr10-71828084-G-A. GRCh37 (hg19) VCF-style: chr10-73587841-G-A.
Other names: c.650C>T, p.Thr217Ile (NM_001042465.3, NM_001042466.3); short protein forms T217I.
Identifiers: ClinVar variation 13361 (VCV000013361.23), dbSNP rs121918103, ClinGen allele CA123055.